The following is an entry in ClinVar:

ClinVar aggregate classification (germline): Uncertain significance (1 of 4 stars; one submission).

Conditions:
Autosomal recessive limb-girdle muscular dystrophy type 2J (LGMDR10). Also called: Limb-girdle muscular dystrophy, type 2J; MUSCULAR DYSTROPHY, LIMB-GIRDLE, AUTOSOMAL RECESSIVE 10. Identifiers: Orphanet 140922, MedGen C1837342, MONDO:0012127, OMIM 608807.
Dilated cardiomyopathy 1G (CMD1G). Identifiers: Orphanet 154, MedGen C1858763, MONDO:0011400, OMIM 604145.

Submission:

Labcorp Genetics (formerly Invitae), Labcorp
Classification: Uncertain significance for Dilated cardiomyopathy 1G; Autosomal recessive limb-girdle muscular dystrophy type 2J. Last evaluated: 2017-04-11. Review status: criteria provided, single submitter. Criteria: Invitae Variant Classification Sherloc (09022015). Collection method: clinical testing. Allele origin: germline.
Comment: In summary, this variant is a novel missense change with unknown impact on protein function. Missense variants in this region of the TTN gene are typically not causative for cardiac disease, but may be relevant for neuromuscular disorders. However, the available evidence is currently insufficient to determine this variant's role in disease. Therefore, it has been classified as a Variant of Uncertain Significance Algorithms developed to predict the effect of missense changes on protein structure and function are unavailable for the TTN gene. This variant identified in the TTN gene is located in the M band of the resulting protein (PMID: 25589632). It is unclear how this variant impacts the function of this protein. This variant is not present in population databases (ExAC no frequency) and has not been reported in the literature in individuals with a TTN-related disease. This sequence change replaces cysteine with tyrosine at codon 34447 of the TTN protein (p.Cys34447Tyr). There is a large physicochemical difference between cysteine and tyrosine.

Literature cited by the submitters: PubMed 25589632.

NM_001267550.2(TTN):c.103340G>A (p.Cys34447Tyr)

Genes: TTN (titin; minus strand), TTN-AS1 (TTN antisense RNA 1; plus strand). Cytogenetic location: 2q31.2.
Variant type: single nucleotide variant.
Coding change: c.103340G>A on transcript NM_001267550.2 (MANE Select); coding-DNA position 103340, G replaced by A.
Protein change: p.Cys34447Tyr; replaces cysteine 34447 with tyrosine.
Molecular consequence: missense variant.
Genome position (GRCh38, 1-based): chr2:178,533,275, C>T on the plus strand (G>A on the coding strand, the complement: TTN is on the minus strand). VCF-style: chr2-178533275-C-T. GRCh37 (hg19) VCF-style: chr2-179398002-C-T.
Other names: c.98417G>A, p.Cys32806Tyr (NM_001256850.1); c.76145G>A, p.Cys25382Tyr (NM_003319.4); c.95636G>A, p.Cys31879Tyr (NM_133378.4); c.76520G>A, p.Cys25507Tyr (NM_133432.3); c.76721G>A, p.Cys25574Tyr (NM_133437.4); short protein forms C34447Y, C25507Y, C25574Y, C32806Y, C25382Y, C31879Y.
Identifiers: ClinVar variation 466711 (VCV000466711.7), dbSNP rs770558110, ClinGen allele CA349414494.
Genomic context (GRCh38, chr2:178,533,275, plus strand): 5'-TCCTTACTCTTGAATTCCTGTTTCTTGTACCTCAGGCGTTCCACTTGTAGGTGAGCCTGG[C>T]AGCTGGTGGACCCAGCTGTGTTAGTGGCTGTGACTCTATAATAACCCGTGTCTTCAGGCA-3'
Protein context (NP_001254479.2, residues 34437-34457): TATNTAGSTS[Cys34447Tyr]QAHLQVERLR